The following is an entry in ClinVar:

ClinVar aggregate classification (germline): Uncertain significance (1 of 4 stars; one submission).

Conditions:
Dyskeratosis congenita. Identifiers: Orphanet 1775, MedGen C0265965, MONDO:0015780.

Submission:

Ambry Genetics
Classification: Uncertain significance for Dyskeratosis congenita. Last evaluated: 2025-10-23. Review status: criteria provided, single submitter. Criteria: Ambry Variant Classification Scheme 2023. Collection method: clinical testing. Allele origin: germline.
Comment: The p.H17L variant (also known as c.50A>T), located in coding exon 1 of the TERT gene, results from an A to T substitution at nucleotide position 50. The histidine at codon 17 is replaced by leucine, an amino acid with similar properties. This amino acid position is conserved. In addition, this alteration is predicted to be tolerated by in silico analysis. Based on the available evidence, the clinical significance of this variant remains unclear.

NM_198253.3(TERT):c.50A>T (p.His17Leu)

Genes: TERT (telomerase reverse transcriptase; minus strand), LOC110806263 (TERT 5' regulatory region; plus strand). Cytogenetic location: 5p15.33.
Variant type: single nucleotide variant.
Coding change: c.50A>T on transcript NM_198253.3 (MANE Select); coding-DNA position 50, A replaced by T.
Protein change: p.His17Leu; replaces histidine 17 with leucine.
Molecular consequence: missense variant. On other transcripts: non-coding transcript variant (2).
Genome position (GRCh38, 1-based): chr5:1,294,940, T>A on the plus strand (A>T on the coding strand, the complement: TERT is on the minus strand). VCF-style: chr5-1294940-T-A. GRCh37 (hg19) VCF-style: chr5-1295055-T-A.
Other names: c.50A>T, p.His17Leu (NM_001193376.3); short protein forms H17L.
Identifiers: ClinVar variation 4561688 (VCV004561688.1).